The following is an entry in ClinVar:

ClinVar aggregate classification (germline): Uncertain significance (1 of 4 stars; one submission).

Submission:

Labcorp Genetics (formerly Invitae), Labcorp
Classification: Uncertain significance. Last evaluated: 2023-04-15. Review status: criteria provided, single submitter. Criteria: Invitae Variant Classification Sherloc (09022015). Collection method: clinical testing. Allele origin: germline.
Comment: In summary, the available evidence is currently insufficient to determine the role of this variant in disease. Therefore, it has been classified as a Variant of Uncertain Significance. Advanced modeling of protein sequence and biophysical properties (such as structural, functional, and spatial information, amino acid conservation, physicochemical variation, residue mobility, and thermodynamic stability) performed at Invitae indicates that this missense variant is not expected to disrupt NEFH protein function. This variant has not been reported in the literature in individuals affected with NEFH-related conditions. This variant is not present in population databases (gnomAD no frequency). This sequence change replaces alanine, which is neutral and non-polar, with glutamic acid, which is acidic and polar, at codon 494 of the NEFH protein (p.Ala494Glu).

NM_021076.4(NEFH):c.1481C>A (p.Ala494Glu)

Gene: NEFH (neurofilament heavy chain; plus strand). Cytogenetic location: 22q12.2.
Variant type: single nucleotide variant.
Coding change: c.1481C>A on transcript NM_021076.4 (MANE Select); coding-DNA position 1481, C replaced by A.
Protein change: p.Ala494Glu; replaces alanine 494 with glutamic acid.
Molecular consequence: missense variant.
Genome position (GRCh38, 1-based): chr22:29,489,121, C>A. VCF-style: chr22-29489121-C-A. GRCh37 (hg19) VCF-style: chr22-29885110-C-A.
Other names: short protein forms A494E.
Identifiers: ClinVar variation 2870578 (VCV002870578.3), dbSNP rs2063060990, ClinGen allele CA411130308.
Genomic context (GRCh38, chr22:29,489,121, plus strand): 5'-AGGAGAAAGAGGCCAAAGAGGAGGAGGGCAAGGAGGAAGAAGGGGGTGAAGAAGAGGAGG[C>A]AGAAGGGGGAGAAGAAGAAACAAAGTCTCCCCCAGCAGAAGAGGCTGCATCCCCAGAGAA-3'
Protein context (NP_066554.2, residues 484-504): KEEEGGEEEE[Ala494Glu]EGGEEETKSP